The following is an entry in ClinVar:

ClinVar aggregate classification (germline): Uncertain significance. Review status: criteria provided, multiple submitters, no conflicts (2 of 4 stars). 2 submissions from 2 submitters: Uncertain significance (2). Last evaluated 2025-09-11.

Conditions:
Hereditary cancer-predisposing syndrome. Also called: Neoplastic Syndromes, Hereditary; Tumor predisposition; Hereditary Cancer Syndrome; Hereditary neoplastic syndrome. Identifiers: Orphanet 140162, MedGen C0027672, MeSH D009386, MONDO:0015356.

Submissions (2):

Labcorp Genetics (formerly Invitae), Labcorp
Classification: Uncertain significance for Hereditary cancer-predisposing syndrome. Last evaluated: 2025-09-11. Review status: criteria provided, single submitter. Criteria: Invitae Variant Classification Sherloc (09022015). Collection method: clinical testing. Allele origin: germline.
Comment: This sequence change replaces arginine, which is basic and polar, with methionine, which is neutral and non-polar, at codon 1288 of the RAD50 protein (p.Arg1288Met). This variant is not present in population databases (gnomAD no frequency). This variant has not been reported in the literature in individuals affected with RAD50-related conditions. ClinVar contains an entry for this variant (Variation ID: 187523). Invitae Evidence Modeling of protein sequence and biophysical properties (such as structural, functional, and spatial information, amino acid conservation, physicochemical variation, residue mobility, and thermodynamic stability) indicates that this missense variant is expected to disrupt RAD50 protein function with a positive predictive value of 80%. In summary, the available evidence is currently insufficient to determine the role of this variant in disease. Therefore, it has been classified as a Variant of Uncertain Significance.

Ambry Genetics
Classification: Uncertain significance for Hereditary cancer-predisposing syndrome. Last evaluated: 2014-12-18. Review status: criteria provided, single submitter. Criteria: Ambry Variant Classification Scheme 2023. Collection method: clinical testing. Allele origin: germline.
Comment: The p.R1288M variant (also known as c.3863G>T), located in coding exon 25 of the RAD50 gene, results from a G to T substitution at nucleotide position 3863. The arginine at codon 1288 is replaced by methionine, an amino acid with similar properties. This variant was not reported in population based cohorts in the following databases: Database of Single Nucleotide Polymorphisms (dbSNP), NHLBI Exome Sequencing Project (ESP), and 1000 Genomes Project. In the ESP, this variant was not observed in 6503 samples (13006 alleles) with coverage at this position. To date, this alteration has been detected with an allele frequency of approximately 0.003% (greater than 40,000 alleles tested) in our clinical cohort. This amino acid position is highly conserved in available vertebrate species. In addition, this alteration is predicted to be deleterious by in silico analysis. Since supporting evidence is limited at this time, the clinical significance of p.R1288M remains unclear.

NM_005732.4(RAD50):c.3863G>T (p.Arg1288Met)

Genes: RAD50 (RAD50 double strand break repair protein; plus strand), TH2LCRR (T helper type 2 locus control region associated RNA; minus strand). Cytogenetic location: 5q31.1.
Variant type: single nucleotide variant.
Coding change: c.3863G>T on transcript NM_005732.4 (MANE Select); coding-DNA position 3863, G replaced by T.
Protein change: p.Arg1288Met; replaces arginine 1288 with methionine.
Molecular consequence: missense variant.
Genome position (GRCh38, 1-based): chr5:132,642,288, G>T. VCF-style: chr5-132642288-G-T. GRCh37 (hg19) VCF-style: chr5-131977980-G-T.
Other names: short protein forms R1288M.
Identifiers: ClinVar variation 187523 (VCV000187523.6), dbSNP rs202098299, ClinGen allele CA197867.